The following is an entry in ClinVar:

NM_198525.3(KIF7):c.1375G>A (p.Gly459Arg)

Gene: KIF7 (kinesin family member 7; minus strand). Cytogenetic location: 15q26.1.
Variant type: single nucleotide variant.
Coding change: c.1375G>A on transcript NM_198525.3 (MANE Select); coding-DNA position 1375, G replaced by A.
Protein change: p.Gly459Arg; replaces glycine 459 with arginine.
Molecular consequence: missense variant.
Genome position (GRCh38, 1-based): chr15:89,648,323, C>T on the plus strand (G>A on the coding strand, the complement: KIF7 is on the minus strand). VCF-style: chr15-89648323-C-T. GRCh37 (hg19) VCF-style: chr15-90191554-C-T.
Other names: short protein forms G459R.
Identifiers: ClinVar variation 1370622 (VCV001370622.3), dbSNP rs1485836507, ClinGen allele CA393770902.

ClinVar aggregate classification (germline): Uncertain significance (1 of 4 stars; one submission).

Conditions:
Acrocallosal syndrome (ACLS). Also called: HALLUX DUPLICATION, POSTAXIAL POLYDACTYLY, AND ABSENCE OF CORPUS CALLOSUM; Schinzel syndrome 1; Absence of corpus callosum with unusual facial appearance, mental deficiency, duplication of the halluces and polydactyly. Identifiers: Orphanet 36, MedGen C0796147, MONDO:0008708, OMIM 200990.

Allele frequency attached by ClinVar (database versions not stated): gnomAD exomes below 0.00001; TOPMed below 0.00001.
gnomAD v4.1: 3 of 1,508,186 alleles (0.0002%); highest among the groups gnomAD compares: Non-Finnish European, 0.00027%; no homozygotes.

Submission:

Labcorp Genetics (formerly Invitae), Labcorp
Classification: Uncertain significance for Acrocallosal syndrome. Last evaluated: 2022-07-25. Review status: criteria provided, single submitter. Criteria: Invitae Variant Classification Sherloc (09022015). Collection method: clinical testing. Allele origin: germline.
Comment: This sequence change replaces glycine, which is neutral and non-polar, with arginine, which is basic and polar, at codon 459 of the KIF7 protein (p.Gly459Arg). This variant is not present in population databases (gnomAD no frequency). This variant has not been reported in the literature in individuals affected with KIF7-related conditions. ClinVar contains an entry for this variant (Variation ID: 1370622). Algorithms developed to predict the effect of missense changes on protein structure and function output the following: SIFT: "Deleterious"; PolyPhen-2: "Benign"; Align-GVGD: "Class C0". The arginine amino acid residue is found in multiple mammalian species, which suggests that this missense change does not adversely affect protein function. Algorithms developed to predict the effect of sequence changes on RNA splicing suggest that this variant may create or strengthen a splice site. In summary, the available evidence is currently insufficient to determine the role of this variant in disease. Therefore, it has been classified as a Variant of Uncertain Significance.